The following is an entry in ClinVar:

NM_001164508.2(NEB):c.24297_24300+1del

Genes: NEB (nebulin; minus strand), RIF1 (replication timing regulatory factor 1; plus strand). Cytogenetic location: 2q23.3.
Variant type: Deletion.
Coding change: c.24297_24300+1del on transcript NM_001164508.2 (MANE Select); coding-DNA position 24297 through the canonical splice donor site of the intron after coding-DNA position 24300, 5 bases deleted (CTCGG; older notation c.24297_24300+1delCTCGG).
Molecular consequence: splice donor variant. On other transcripts: intron variant (1).
Genome position (GRCh38, 1-based): chr2:151,497,625-151,497,629, CCGAG deleted on the plus strand (CTCGG on the coding strand, the reverse complement: NEB is on the minus strand); deleting any 5 consecutive bases within chr2:151,497,625-151,497,630 gives the same sequence; the c. name uses the placement nearest the transcript's 3' end. VCF-style (leftmost placement, unchanged base first): chr2-151497624-ACCGAG-A. GRCh37 (hg19) VCF-style: chr2-152354138-ACCGAG-A.
Other names: c.18826-1261_18826-1257del (NM_004543.5); c.24297_24300+1del (NM_001164507.2); c.24402_24405+1del (NM_001271208.2).
Identifiers: ClinVar variation 2762016 (VCV002762016.3), dbSNP rs2551853203, ClinGen allele CA2697551050.

ClinVar aggregate classification (germline): Likely pathogenic (1 of 4 stars; one submission).

Conditions:
Nemaline myopathy 2 (NEM2). Also called: Nemaline myopathy 2, autosomal recessive. Identifiers: MedGen C1850569, MONDO:0009725, OMIM 256030.

Submission:

Labcorp Genetics (formerly Invitae), Labcorp
Classification: Likely pathogenic for Nemaline myopathy 2. Last evaluated: 2023-09-20. Review status: criteria provided, single submitter. Criteria: Invitae Variant Classification Sherloc (09022015). Collection method: clinical testing. Allele origin: germline.
Comment: In summary, the currently available evidence indicates that the variant is pathogenic, but additional data are needed to prove that conclusively. Therefore, this variant has been classified as Likely Pathogenic. This variant has not been reported in the literature in individuals affected with NEB-related conditions. This variant is not present in population databases (gnomAD no frequency). This variant results in the deletion of c.24402_24405+1del of the NEB gene. It is expected to disrupt RNA splicing. Variants that disrupt the donor or acceptor splice site typically lead to a loss of protein function (PMID: 16199547), and loss-of-function variants in NEB are known to be pathogenic (PMID: 25205138).

Literature cited by the submitters: PubMed 16199547; PubMed 25205138.